The following is an entry in ClinVar:

ClinVar aggregate classification (germline): Uncertain significance (1 of 4 stars; one submission).

Conditions:
Emery-Dreifuss muscular dystrophy 5, autosomal dominant (EDMD5). Also called: EMERY-DREIFUSS MUSCULAR DYSTROPHY 5. Identifiers: Orphanet 261, MedGen C2751805, MONDO:0013072, OMIM 612999.

Submission:

Labcorp Genetics (formerly Invitae), Labcorp
Classification: Uncertain significance for Emery-Dreifuss muscular dystrophy 5, autosomal dominant. Last evaluated: 2019-04-18. Review status: criteria provided, single submitter. Criteria: Invitae Variant Classification Sherloc (09022015). Collection method: clinical testing. Allele origin: germline.
Comment: In summary, the available evidence is currently insufficient to determine the role of this variant in disease. Therefore, it has been classified as a Variant of Uncertain Significance. The current clinical and genetic evidence is not sufficient to establish whether loss-of-function variants in SYNE2 cause disease. This variant has not been reported in the literature in individuals with SYNE2-related conditions. This variant is not present in population databases (ExAC no frequency). This sequence change creates a premature translational stop signal (p.Lys5970*) in the SYNE2 gene. It is expected to result in an absent or disrupted protein product.

NM_182914.3(SYNE2):c.17908A>T (p.Lys5970Ter)

Gene: SYNE2 (spectrin repeat containing nuclear envelope protein 2; plus strand). Cytogenetic location: 14q23.2.
Variant type: single nucleotide variant.
Coding change: c.17908A>T on transcript NM_182914.3 (MANE Select); coding-DNA position 17908, A replaced by T.
Protein change: p.Lys5970Ter; replaces lysine 5970 with a stop codon.
Molecular consequence: nonsense.
Genome position (GRCh38, 1-based): chr14:64,190,107, A>T. VCF-style: chr14-64190107-A-T. GRCh37 (hg19) VCF-style: chr14-64656825-A-T.
Other names: c.17908A>T, p.Lys5970Ter (NM_015180.6); short protein forms K5970*.
Identifiers: ClinVar variation 846784 (VCV000846784.7), dbSNP rs2098511234, ClinGen allele CA389995335.
Genomic context (GRCh38, chr14:64,190,107, plus strand): 5'-TTTATGTTTTGGTGCCTTTGCCAGGACTGCATGGAAGAAATAAACTTGTTTAGTGAAAAC[A>T]AGTTACAGTTAAAGCAGATGGGTGACCAGTTGATCAAGGCCAGCAACAAATCAAGAGCAG-3'